The following is an entry in ClinVar:

ClinVar aggregate classification (germline): Likely benign (1 of 4 stars; one submission).

gnomAD v4.1: 37 of 1,613,588 alleles (0.0023%); highest among the groups gnomAD compares: Admixed American, 0.013%; no homozygotes.

Submission:

CeGaT Center for Human Genetics Tuebingen
Classification: Likely benign. Last evaluated: 2024-07-01. Review status: criteria provided, single submitter. Criteria: CeGaT Center For Human Genetics Tuebingen Variant Classification Criteria Version 2. Collection method: clinical testing. Allele origin: germline. Affected: yes. Observed: 1 variant allele.
Comment: SPEN: BP4, BP7

NM_015001.3(SPEN):c.7722G>A (p.Pro2574=)

Gene: SPEN (spen family transcriptional repressor; plus strand). Cytogenetic location: 1p36.13.
Variant type: single nucleotide variant.
Coding change: c.7722G>A on transcript NM_015001.3 (MANE Select); coding-DNA position 7722, G replaced by A.
Protein change: p.Pro2574=; no amino-acid change (proline 2574 retained).
Molecular consequence: synonymous variant.
Genome position (GRCh38, 1-based): chr1:15,933,962, G>A. VCF-style: chr1-15933962-G-A. GRCh37 (hg19) VCF-style: chr1-16260457-G-A.
Identifiers: ClinVar variation 3257008 (VCV003257008.17).